The following is an entry in ClinVar:

ClinVar aggregate classification (germline): Likely benign (0 of 4 stars; one submission).

Conditions:
ITGB4-related disorder. Also called: ITGB4-related condition.

Allele frequency attached by ClinVar (database versions not stated): ExAC 0.00002; gnomAD exomes below 0.00001.
gnomAD v4.1: 3 of 1,612,654 alleles (0.00019%); highest among the groups gnomAD compares: Non-Finnish European, 0.00025%; no homozygotes.

Submission:

PreventionGenetics, part of Exact Sciences
Classification: Likely benign for ITGB4-related condition. Last evaluated: 2021-04-20. Review status: no assertion criteria provided. Collection method: clinical testing. Allele origin: germline.
Comment: This variant is classified as likely benign based on ACMG/AMP sequence variant interpretation guidelines (Richards et al. 2015 PMID: 25741868, with internal and published modifications).

NM_000213.5(ITGB4):c.5067A>G (p.Ala1689=)

Genes: GALK1 (galactokinase 1; minus strand), ITGB4 (integrin subunit beta 4; plus strand). Cytogenetic location: 17q25.1.
Variant type: single nucleotide variant.
Coding change: c.5067A>G on transcript NM_000213.5 (MANE Select); coding-DNA position 5067, A replaced by G.
Protein change: p.Ala1689=; no amino-acid change (alanine 1689 retained).
Molecular consequence: synonymous variant. On other transcripts: intron variant (1).
Genome position (GRCh38, 1-based): chr17:75,756,956, A>G. VCF-style: chr17-75756956-A-G. GRCh37 (hg19) VCF-style: chr17-73753037-A-G.
Other names: c.5016A>G, p.Ala1672= (NM_001005619.2); c.4857A>G, p.Ala1619= (NM_001005731.3, NM_001321123.2); c.4707A>G, p.Ala1569= (NM_001438834.1); c.*22+1078T>C (NM_001381985.1).
Identifiers: ClinVar variation 3031117 (VCV003031117.2), dbSNP rs758381516, ClinGen allele CA8770446.